The following is an entry in ClinVar:

ClinVar aggregate classification (germline): Uncertain significance (1 of 4 stars; one submission).

Conditions:
Hereditary cancer-predisposing syndrome. Also called: Hereditary neoplastic syndrome; Neoplastic Syndromes, Hereditary; Tumor predisposition; Hereditary Cancer Syndrome. Identifiers: Orphanet 140162, MedGen C0027672, MeSH D009386, MONDO:0015356.

Allele frequency attached by ClinVar (database versions not stated): gnomAD exomes below 0.00001.
gnomAD v4.1: 2 of 1,613,964 alleles (0.00012%); highest among the groups gnomAD compares: Non-Finnish European, 0.00017%; no homozygotes.

Submission:

Ambry Genetics
Classification: Uncertain significance for Hereditary cancer-predisposing syndrome. Last evaluated: 2021-12-30. Review status: criteria provided, single submitter. Criteria: Ambry Variant Classification Scheme 2023. Collection method: clinical testing. Allele origin: germline.
Comment: The p.F2799L variant (also known as c.8397T>A), located in coding exon 56 of the ATM gene, results from a T to A substitution at nucleotide position 8397. The phenylalanine at codon 2799 is replaced by leucine, an amino acid with highly similar properties. This amino acid position is conserved. In addition, this alteration is predicted to be tolerated by in silico analysis. Since supporting evidence is limited at this time, the clinical significance of this alteration remains unclear.

NM_000051.4(ATM):c.8397T>A (p.Phe2799Leu)

Genes: ATM (ATM serine/threonine kinase; plus strand), C11orf65 (chromosome 11 open reading frame 65; minus strand). Cytogenetic location: 11q22.3.
Variant type: single nucleotide variant.
Coding change: c.8397T>A on transcript NM_000051.4 (MANE Select); coding-DNA position 8397, T replaced by A.
Protein change: p.Phe2799Leu; replaces phenylalanine 2799 with leucine.
Molecular consequence: missense variant. On other transcripts: intron variant (2).
Genome position (GRCh38, 1-based): chr11:108,343,350, T>A. VCF-style: chr11-108343350-T-A. GRCh37 (hg19) VCF-style: chr11-108214077-T-A.
Other names: c.641-34279A>T (NM_001330368.2); c.695-8058A>T (NM_001351110.2); c.8397T>A, p.Phe2799Leu (NM_001351834.2); short protein forms F2799L.
Identifiers: ClinVar variation 1763203 (VCV001763203.2), dbSNP rs2136952157, ClinGen allele CA382516674.